The following is an entry in ClinVar:

ClinVar aggregate classification (germline): Conflicting classifications of pathogenicity. Review status: criteria provided, conflicting classifications (1 of 4 stars). 3 submissions from 3 submitters: Likely pathogenic (2); Uncertain significance (1). Last evaluated 2026-09-03.

Conditions:
Dilated cardiomyopathy 1G (CMD1G). Identifiers: Orphanet 154, MedGen C1858763, MONDO:0011400, OMIM 604145.
Autosomal recessive limb-girdle muscular dystrophy type 2J (LGMDR10). Also called: MUSCULAR DYSTROPHY, LIMB-GIRDLE, AUTOSOMAL RECESSIVE 10; Limb-girdle muscular dystrophy, type 2J. Identifiers: Orphanet 140922, MedGen C1837342, MONDO:0012127, OMIM 608807.
Cardiovascular phenotype. Identifiers: MedGen CN230736.

gnomAD v4.1: 2 of 1,604,368 alleles (0.00012%); highest among the groups gnomAD compares: African/African-American, 0.0013%; no homozygotes.

Submissions (3):

Ambry Genetics
Classification: Uncertain significance for Cardiovascular phenotype. Last evaluated: 2026-09-03. Review status: criteria provided, single submitter. Criteria: Ambry Variant Classification Scheme 2023. Collection method: clinical testing. Allele origin: germline.
Comment: The c.72094+1G>C intronic variant results from a G to C substitution one nucleotide after coding exon 181 of the TTN gene. Exon 181 is located in the A-band region of the N2-B isoform of the titin protein and is constitutively expressed in TTN transcripts (percent spliced in or PSI 100%). This nucleotide position is highly conserved in available vertebrate species. In silico splice site analysis predicts that this alteration will weaken the native splice donor site. This variant disrupts the canonical splice site and is expected to cause aberrant splicing. However, although direct evidence is unavailable, this variant is predicted to result in an in-frame transcript that is not expected to trigger nonsense-mediated mRNA decay. The exact functional effect of the predicted splice impact is unknown. Based on the available evidence, the clinical significance of this variant remains unclear.

GeneDx
Classification: Likely pathogenic. Last evaluated: 2025-12-06. Review status: criteria provided, single submitter. Criteria: GeneDx Variant Classification Process June 2021. Collection method: clinical testing. Allele origin: germline.
Comment: Canonical splice site variant predicted to result in an in-frame loss of the adjacent exon in a gene for which loss of function is a known mechanism of disease; Located in the A-band, a region of TTN for which truncating variants are significantly associated with autosomal dominant cardiomyopathy and also with autosomal recessive skeletal myopathies (PMID: 22335739, 32778822); Not observed at significant frequency in large population cohorts (gnomAD); Has not been previously published as pathogenic or benign to our knowledge; This variant is associated with the following publications: (PMID: 32778822, 22335739)

Labcorp Genetics (formerly Invitae), Labcorp
Classification: Likely pathogenic for Dilated cardiomyopathy 1G; Autosomal recessive limb-girdle muscular dystrophy type 2J. Last evaluated: 2021-02-15. Review status: criteria provided, single submitter. Criteria: Invitae Variant Classification Sherloc (09022015). Collection method: clinical testing. Allele origin: germline.
Comment: This variant has not been reported in the literature in individuals with TTN-related conditions. This variant is not present in population databases (ExAC no frequency). This sequence change affects a donor splice site in intron 354 of the TTN gene. It is expected to disrupt RNA splicing and likely results in a truncated or disrupted TTN protein. In summary, the currently available evidence indicates that the variant is pathogenic, but additional data are needed to prove that conclusively. Therefore, this variant has been classified as Likely Pathogenic. This variant is located in the A band of TTN (PMID: 25589632). Truncating variants in this region are significantly overrepresented in patients affected with dilated cardiomyopathy (PMID: 25589632). Truncating variants in this region have also been reported in individuals affected with autosomal recessive centronuclear myopathy (PMID: 23975875).

Literature cited by the submitters: PubMed 25589632 (cited by Labcorp Genetics (formerly Invitae), Labcorp); PubMed 23975875 (cited by Labcorp Genetics (formerly Invitae), Labcorp).

NM_001267550.2(TTN):c.99289+1G>C

Genes: TTN (titin; minus strand), TTN-AS1 (TTN antisense RNA 1; plus strand). Cytogenetic location: 2q31.2.
Variant type: single nucleotide variant.
Coding change: c.99289+1G>C on transcript NM_001267550.2 (MANE Select); the canonical splice donor site of the intron after coding-DNA position 99289, G replaced by C.
Molecular consequence: splice donor variant.
Genome position (GRCh38, 1-based): chr2:178,538,539, C>G on the plus strand (G>C on the coding strand, the complement: TTN is on the minus strand). VCF-style: chr2-178538539-C-G. GRCh37 (hg19) VCF-style: chr2-179403266-C-G.
Other names: c.72094+1G>C (NM_003319.4); c.72670+1G>C (NM_133437.4); c.72469+1G>C (NM_133432.3); c.91585+1G>C (NM_133378.4); c.94366+1G>C (NM_001256850.1).
Identifiers: ClinVar variation 1067721 (VCV001067721.14), dbSNP rs2154139165, ClinGen allele CA349430524.